The following is an entry in ClinVar:

ClinVar aggregate classification (germline): Conflicting classifications of pathogenicity. Review status: criteria provided, conflicting classifications (1 of 4 stars). 2 submissions from 2 submitters: Uncertain significance (1); Benign (1). Last evaluated 2024-05-16.

Allele frequency attached by ClinVar (database versions not stated): gnomAD 0.00007; ExAC 0.00008; gnomAD exomes 0.00008; TOPMed 0.00008; 1000 Genomes Project 30x 0.00016; 1000 Genomes Project 0.00020.
gnomAD v4.1: 135 of 1,613,504 alleles (0.0084%); highest among the groups gnomAD compares: Admixed American, 0.0084%; no homozygotes.

Submissions (2):

GeneDx
Classification: Uncertain significance. Last evaluated: 2024-05-16. Review status: criteria provided, single submitter. Criteria: GeneDx Variant Classification Process June 2021. Collection method: clinical testing. Allele origin: germline. Affected: yes.
Comment: In silico analysis indicates that this variant does not alter splicing; Has not been previously published as pathogenic or benign to our knowledge

Labcorp Genetics (formerly Invitae), Labcorp
Classification: Benign. Last evaluated: 2023-12-21. Review status: criteria provided, single submitter. Criteria: Invitae Variant Classification Sherloc (09022015). Collection method: clinical testing. Allele origin: germline.

NM_032340.4(UQCC2):c.291G>A (p.Leu97=)

Gene: UQCC2 (ubiquinol-cytochrome c reductase complex assembly factor 2; minus strand). Cytogenetic location: 6p21.31.
Variant type: single nucleotide variant.
Coding change: c.291G>A on transcript NM_032340.4 (MANE Select); coding-DNA position 291, G replaced by A.
Protein change: p.Leu97=; no amino-acid change (leucine 97 retained).
Molecular consequence: synonymous variant.
Genome position (GRCh38, 1-based): chr6:33,697,743, C>T on the plus strand (G>A on the coding strand, the complement: UQCC2 is on the minus strand). VCF-style: chr6-33697743-C-T. GRCh37 (hg19) VCF-style: chr6-33665520-C-T.
Other names: c.291G>A (NM_032340.3).
Identifiers: ClinVar variation 2168428 (VCV002168428.5), dbSNP rs201389126, ClinGen allele CA3762445.